The following is an entry in ClinVar:

NM_021930.6(RINT1):c.1940C>T (p.Ser647Leu)

Genes: EFCAB10 (EF-hand calcium binding domain 10; minus strand), RINT1 (RAD50 interactor 1; plus strand). Cytogenetic location: 7q22.3.
Variant type: single nucleotide variant.
Coding change: c.1940C>T on transcript NM_021930.6 (MANE Select); coding-DNA position 1940, C replaced by T.
Protein change: p.Ser647Leu; replaces serine 647 with leucine.
Molecular consequence: missense variant. On other transcripts: 3 prime UTR variant (3), non-coding transcript variant (1).
Genome position (GRCh38, 1-based): chr7:105,565,330, C>T. VCF-style: chr7-105565330-C-T. GRCh37 (hg19) VCF-style: chr7-105205777-C-T.
Other names: c.*117G>A (NM_001355526.2); c.*219G>A (NM_001355530.2); c.*72G>A (NM_001355531.2); c.1706C>T, p.Ser569Leu (NM_001346599.2); c.917C>T, p.Ser306Leu (NM_001346600.2, NM_001346603.2); c.1016C>T, p.Ser339Leu (NM_001346601.2); short protein forms S647L, S569L, S306L, S339L.
Identifiers: ClinVar variation 410799 (VCV000410799.13), dbSNP rs187666745, ClinGen allele CA4426815.

ClinVar aggregate classification (germline): Uncertain significance. Review status: criteria provided, multiple submitters, no conflicts (2 of 4 stars). 3 submissions from 3 submitters: Uncertain significance (3). Last evaluated 2025-12-08.

Conditions:
Infantile liver failure syndrome 3. Identifiers: MedGen C5231437, MONDO:0032844, OMIM 618641.

Allele frequency attached by ClinVar (database versions not stated): gnomAD exomes 0.00002 and 0.00006; TOPMed 0.00002; gnomAD 0.00003 and 0.00004; ExAC 0.00007; 1000 Genomes Project 0.00040; 1000 Genomes Project 30x 0.00047.
gnomAD v4.1: 37 of 1,614,156 alleles (0.0023%); highest among the groups gnomAD compares: East Asian, 0.022%; no homozygotes.

Submissions (3):

Labcorp Genetics (formerly Invitae), Labcorp
Classification: Uncertain significance. Last evaluated: 2025-12-08. Review status: criteria provided, single submitter. Criteria: Invitae Variant Classification Sherloc (09022015). Collection method: clinical testing. Allele origin: germline.
Comment: This sequence change replaces serine, which is neutral and polar, with leucine, which is neutral and non-polar, at codon 647 of the RINT1 protein (p.Ser647Leu). This variant is present in population databases (rs187666745, gnomAD 0.06%). This variant has not been reported in the literature in individuals affected with RINT1-related conditions. ClinVar contains an entry for this variant (Variation ID: 410799). An algorithm developed to predict the effect of missense changes on protein structure and function (PolyPhen-2) suggests that this variant is likely to be disruptive. In summary, the available evidence is currently insufficient to determine the role of this variant in disease. Therefore, it has been classified as a Variant of Uncertain Significance.

Ambry Genetics
Classification: Uncertain significance. Last evaluated: 2025-10-25. Review status: criteria provided, single submitter. Criteria: Ambry Variant Classification Scheme 2023. Collection method: clinical testing. Allele origin: germline.
Comment: The p.S647L variant (also known as c.1940C>T), located in coding exon 13 of the RINT1 gene, results from a C to T substitution at nucleotide position 1940. The serine at codon 647 is replaced by leucine, an amino acid with dissimilar properties. This amino acid position is well conserved in available vertebrate species. In addition, this alteration is predicted to be tolerated by in silico analysis. Since supporting evidence is limited at this time, the clinical significance of this alteration remains unclear.

Fulgent Genetics
Classification: Uncertain significance for Infantile liver failure syndrome 3. Last evaluated: 2024-05-29. Review status: criteria provided, single submitter. Criteria: ACMG Guidelines, 2015. Collection method: clinical testing. Allele origin: germline.